The following is an entry in ClinVar:

NM_001369.3(DNAH5):c.5049_5053delinsATCCT (p.Thr1684Ser)

Gene: DNAH5 (dynein axonemal heavy chain 5; minus strand). Cytogenetic location: 5p15.2.
Variant type: Indel.
Coding change: c.5049_5053delinsATCCT on transcript NM_001369.3 (MANE Select); coding-DNA positions 5049 to 5053, GACCC replaced by ATCCT.
Protein change: p.Thr1684Ser; replaces threonine 1684 with serine.
Molecular consequence: missense variant.
Genome position (GRCh38, 1-based): chr5:13,850,713-13,850,717, GGGTC replaced by AGGAT on the plus strand (GACCC replaced by ATCCT on the coding strand, the reverse complement: DNAH5 is on the minus strand). VCF-style: chr5-13850713-GGGTC-AGGAT. GRCh37 (hg19) VCF-style: chr5-13850822-GGGTC-AGGAT.
Other names: short protein forms T1684S.
Identifiers: ClinVar variation 5004880 (VCV005004880.1).
Genomic context (GRCh38, chr5:13,850,713, plus strand): 5'-CAGTAAGGGATTTCTGGCATATTTCCAACTGGTCCAGCAAGTGTGGTAACAGCTGCCCCA[GGGTC>AGGAT]TCATCTCCAACACAGCACTGGACTACACTGGGCACTTCATGTGCCCGAGTCATGATCTTC-3'
Protein context (NP_001360.1, residues 1674-1694): SVVQCCVGDE[Thr1684Ser]LGQLLPHLLD

ClinVar aggregate classification (germline): Uncertain significance (1 of 4 stars; one submission).

Conditions:
Primary ciliary dyskinesia 3. Identifiers: Orphanet 244, MedGen C1837618, MONDO:0012085, OMIM 608644.

Submission:

Myriad Genetics, Inc.
Classification: Uncertain significance for Primary ciliary dyskinesia 3. Last evaluated: 2026-09-02. Review status: criteria provided, single submitter. Criteria: Myriad Autosomal Dominant, Autosomal Recessive and X-Linked Classification Criteria (2023). Collection method: clinical testing. Allele origin: unknown.
Comment: NM_001369.2(DNAH5):c.5049_5053del5ins5(T1684S) is a missense variant classified as a variant of uncertain significance in the context of primary ciliary dyskinesia, DNAH5-related. T1684S has not been observed in cases with relevant disease. Relevant functional assessments of this variant are not available in the literature. T1684S has not been observed in referenced population frequency databases. In summary, there is insufficient evidence to classify NM_001369.2(DNAH5):c.5049_5053del5ins5(T1684S) as pathogenic or benign. Please note: this variant was assessed in the context of healthy population screening.